The following is an entry in ClinVar:

NM_002049.4(GATA1):c.920G>A (p.Arg307His)

Gene: GATA1 (GATA binding protein 1; plus strand). Cytogenetic location: Xp11.23.
Variant type: single nucleotide variant.
Coding change: c.920G>A on transcript NM_002049.4 (MANE Select); coding-DNA position 920, G replaced by A.
Protein change: p.Arg307His; replaces arginine 307 with histidine.
Molecular consequence: missense variant.
Genome position (GRCh38, 1-based): chrX:48,793,842, G>A. VCF-style: chrX-48793842-G-A. GRCh37 (hg19) VCF-style: chrX-48652249-G-A.
Other names: short protein forms R307H.
Identifiers: ClinVar variation 1399872 (VCV001399872.8), dbSNP rs1557020556, ClinGen allele CA412871571.
Genomic context (GRCh38, chrX:48,793,842, plus strand): 5'-CTTTTTGGCAGGTGAACCGGCCACTGACCATGCGGAAGGATGGTATTCAGACTCGAAACC[G>A]CAAGGCATCTGGAAAAGGGAAAAAGAAACGGGGCTCCAGTCTGGGAGGCACAGGAGCAGC-3'
Protein context (NP_002040.1, residues 297-317): MRKDGIQTRN[Arg307His]KASGKGKKKR

ClinVar aggregate classification (germline): Uncertain significance. Review status: criteria provided, single submitter (1 of 4 stars). 2 submissions from 2 submitters: Uncertain significance (1). 1 of the submissions does not count toward it. Last evaluated 2021-10-18.

Conditions:
Diamond-Blackfan anemia. Also called: Blackfan Diamond syndrome; Aregenerative anemia chronic congenital; Red cell aplasia, pure hereditary; Congenital hypoplastic anemia; Aase syndrome. Identifiers: Orphanet 124, MedGen C1260899, MeSH D029503, MONDO:0015253, HP:0004810.
GATA binding protein 1 related thrombocytopenia with dyserythropoiesis. Also called: GATA1-Related Cytopenia; GATA1-Related X-Linked Cytopenia. Identifiers: MedGen C1845837, MONDO:0100089.
Hemolytic anemia due to erythrocyte adenosine deaminase overproduction (CNSHA9). Also called: ERYTHROCYTE ADA, ELEVATED, HEMOLYTIC ANEMIA DUE TO; Adenosine deaminase, elevated, hemolytic anemia due to; ANEMIA, CONGENITAL, NONSPHEROCYTIC HEMOLYTIC, 9. Identifiers: Orphanet 99138, MedGen C1863235, MONDO:0020458, OMIM 301083.

Submissions (2):

Labcorp Genetics (formerly Invitae), Labcorp
Classification: Uncertain significance for GATA binding protein 1 related thrombocytopenia with dyserythropoiesis; Diamond-Blackfan anemia. Last evaluated: 2021-10-18. Review status: criteria provided, single submitter. Criteria: Invitae Variant Classification Sherloc (09022015). Collection method: clinical testing. Allele origin: germline.
Comment: In summary, the available evidence is currently insufficient to determine the role of this variant in disease. Therefore, it has been classified as a Variant of Uncertain Significance. Algorithms developed to predict the effect of missense changes on protein structure and function are either unavailable or do not agree on the potential impact of this missense change (SIFT: "Deleterious"; PolyPhen-2: "Probably Damaging"; Align-GVGD: "Class C0"). This variant has not been reported in the literature in individuals affected with GATA1-related conditions. This variant is not present in population databases (ExAC no frequency). This sequence change replaces arginine with histidine at codon 307 of the GATA1 protein (p.Arg307His). The arginine residue is highly conserved and there is a small physicochemical difference between arginine and histidine.

OMIM
Classification: Pathogenic for ANEMIA, CONGENITAL, NONSPHEROCYTIC HEMOLYTIC, 9. Last evaluated: 2024-10-11. Review status: no assertion criteria provided. Collection method: literature only. Allele origin: germline. Not counted in ClinVar's aggregate classification.

Literature cited by the submitters: PubMed 35030251 (cited by OMIM); PubMed 3164080 (cited by OMIM); Ogura, H., Yamamoto, T., Utsugisawa, T., Aoki, T., Iwasaki, T., Ondo, Y., Kawakami, T., Nakagawa, S., Ozono, S., Inada, H., Kanno, H. The novel missense mutation of GATA1 caused red cell adenosine deaminase overproduction associated with congenital hemolytic anemia. (Abstract) Blood 128: 400, 2016. (cited by OMIM).